The following is an entry in ClinVar:

ClinVar aggregate classification (germline): Likely pathogenic (1 of 4 stars; one submission).

Conditions:
Autosomal recessive nonsyndromic hearing loss 84B. Also called: Deafness, autosomal recessive 84b. Identifiers: Orphanet 90636, MedGen C3554159, MONDO:0013984, OMIM 614944.

Submission:

Juno Genomics, Hangzhou Juno Genomics, Inc
Classification: Likely pathogenic for Autosomal recessive nonsyndromic hearing loss 84B. Review status: criteria provided, single submitter. Criteria: ACMG Guidelines, 2015. Collection method: clinical testing. Allele origin: germline.
Comment: Null variant in a gene where loss of function (LOF) is a known mechanism of disease.;Absent from controls (or at extremely low frequency if recessive) in Genome Aggregation Database.

NM_001378609.3(OTOGL):c.4338del (p.Met1447fs)

Gene: OTOGL (otogelin like; plus strand). Cytogenetic location: 12q21.31.
Variant type: Deletion.
Coding change: c.4338del on transcript NM_001378609.3 (MANE Select); coding-DNA position 4338, one base deleted (C; older notation c.4338delC).
Protein change: p.Met1447fs; shifts the reading frame from methionine 1447.
Molecular consequence: frameshift variant.
Genome position (GRCh38, 1-based): chr12:80,329,109, C deleted; the last of 3 consecutive C bases (chr12:80,329,107-80,329,109); deleting any one gives the same sequence. VCF-style (leftmost placement, unchanged base first): chr12-80329106-GC-G. GRCh37 (hg19) VCF-style: chr12-80722886-GC-G.
Other names: c.4203del, p.Met1402fs (NM_001368062.3); c.4338del, p.Met1447fs (NM_001378610.3, NM_173591.7); short protein forms M1402fs, M1447fs.
Identifiers: ClinVar variation 5005170 (VCV005005170.2).